The following is an entry in ClinVar:

NM_000238.4(KCNH2):c.1171C>T (p.Gln391Ter)

Gene: KCNH2 (potassium voltage-gated channel subfamily H member 2; minus strand). Cytogenetic location: 7q36.1.
Variant type: single nucleotide variant.
Coding change: c.1171C>T on transcript NM_000238.4 (MANE Select); coding-DNA position 1171, C replaced by T.
Protein change: p.Gln391Ter; replaces glutamine 391 with a stop codon.
Molecular consequence: nonsense. On other transcripts: non-coding transcript variant (2).
Genome position (GRCh38, 1-based): chr7:150,952,811, G>A on the plus strand (C>T on the coding strand, the complement: KCNH2 is on the minus strand). VCF-style: chr7-150952811-G-A. GRCh37 (hg19) VCF-style: chr7-150649899-G-A.
Other names: c.151C>T, p.Gln51Ter (NM_001204798.2, NM_172057.3); c.883C>T, p.Gln295Ter (NM_001406753.1, NM_001406756.1); c.994C>T, p.Gln332Ter (NM_001406755.1); c.871C>T, p.Gln291Ter (NM_001406757.1); c.1171C>T, p.Gln391Ter (NM_172056.3); short protein forms Q291*, Q295*, Q332*, Q391*, Q51*.
Identifiers: ClinVar variation 3340202 (VCV003340202.3).
Genomic context (GRCh38, chr7:150,952,811, plus strand): 5'-CCCACACGGCCTTGAAGGGGCTGTAATGCAGGATGGTCCAGCGGTGGATGCGCGGTGCCT[G>A]CAGCTTGTACTCAGGCAGCACGTCGGCGCCCAGGGACAGGACCTGCACCCGGGGAAGGCG-3'

ClinVar aggregate classification (germline): Pathogenic. Review status: criteria provided, multiple submitters, no conflicts (2 of 4 stars). 3 submissions from 3 submitters: Pathogenic (3). Last evaluated 2024-08-06.

Conditions:
KCNH2-related disorder. Also called: KCNH2-related condition; KCNH2-related disorders.
Long QT syndrome 2 (LQT2). Identifiers: Orphanet 101016, Orphanet 768, MedGen C3150943, MONDO:0013367, OMIM 613688.

gnomAD v4.1: 2 of 1,614,040 alleles (0.00012%); highest among the groups gnomAD compares: Non-Finnish European, 0.00017%; no homozygotes.

Submissions (3):

3billion
Classification: Pathogenic for Long QT syndrome 2. Last evaluated: 2024-08-06. Review status: criteria provided, single submitter. Criteria: ACMG Guidelines, 2015. Collection method: clinical testing. Allele origin: germline. Affected: yes.
Comment: The variant is observed at an extremely low frequency in the gnomAD v4.0.0 dataset (total allele frequency: <0.001%). Predicted Consequence/Location: Stop-gained (nonsense): predicted to result in a loss or disruption of normal protein function through nonsense-mediated decay (NMD) or protein truncation. Multiple pathogenic variants are reported downstream of the variant. The variant has been reported to be associated with KCNH2 related disorder (PMID: 16414944). Therefore, this variant is classified as Pathogenic according to the recommendation of ACMG/AMP guideline.

GeneDx
Classification: Pathogenic. Last evaluated: 2024-01-25. Review status: criteria provided, single submitter. Criteria: GeneDx Variant Classification Process June 2021. Collection method: clinical testing. Allele origin: germline. Affected: yes.
Comment: Nonsense variant predicted to result in protein truncation or nonsense mediated decay in a gene for which loss of function is a known mechanism of disease; Not observed at significant frequency in large population cohorts (gnomAD); This variant is associated with the following publications: (PMID: 25525159, 36267859, 16414944)

Blueprint Genetics
Classification: Pathogenic for KCNH2-related disorders. Last evaluated: 2022-12-21. Review status: criteria provided, single submitter. Criteria: ACMG Guidelines, 2015. Collection method: clinical testing. Allele origin: germline. Affected: yes. Observed: 1 variant allele.

Literature cited by the submitters: PubMed 16414944 (cited by 3billion).